The following is an entry in ClinVar:

NM_022124.6(CDH23):c.*510G>A

Gene: CDH23 (cadherin related 23; plus strand). Cytogenetic location: 10q22.1.
Variant type: single nucleotide variant.
Coding change: c.*510G>A on transcript NM_022124.6 (MANE Select); 510 bases downstream of the stop codon, G replaced by A.
Molecular consequence: 3 prime UTR variant.
Genome position (GRCh38, 1-based): chr10:71,815,788, G>A. VCF-style: chr10-71815788-G-A. GRCh37 (hg19) VCF-style: chr10-73575545-G-A.
Other names: c.*510G>A (NM_001171933.1, NM_001171934.1, NM_001171935.1 and 1 more transcripts).
Identifiers: ClinVar variation 300493 (VCV000300493.8), dbSNP rs1054635, ClinGen allele CA10635729.

ClinVar aggregate classification (germline): Benign/Likely benign. Review status: criteria provided, multiple submitters, no conflicts (2 of 4 stars). 4 submissions from 3 submitters: Benign (3); Likely benign (1). Last evaluated 2021-05-11.

Conditions:
Autosomal recessive nonsyndromic hearing loss 12. Also called: DEAFNESS, AUTOSOMAL RECESSIVE 12. Identifiers: Orphanet 90636, MedGen C1832394, MONDO:0011067, OMIM 601386.
Usher syndrome type 1D (USH1D). Also called: USHER SYNDROME, TYPE ID. Identifiers: Orphanet 231169, Orphanet 886, MedGen C1832845, MONDO:0010984, OMIM 601067.

Allele frequency attached by ClinVar (database versions not stated): gnomAD 0.07812 and 0.08314; TOPMed 0.08902; gnomAD exomes 0.11164; 1000 Genomes Project 30x 0.12742; 1000 Genomes Project 0.13139.
gnomAD v4.1: 13,134 of 156,392 alleles (8.4%); highest among the groups gnomAD compares: East Asian, 28%; 872 homozygotes.

Submissions (4):

GeneDx
Classification: Benign. Last evaluated: 2021-05-11. Review status: criteria provided, single submitter. Criteria: GeneDx Variant Classification Process June 2021. Collection method: clinical testing. Allele origin: germline. Affected: yes.

Illumina Laboratory Services, Illumina
Classification: Benign for Usher syndrome type 1D. Last evaluated: 2018-01-13. Review status: criteria provided, single submitter. Criteria: ICSL Variant Classification Criteria 13 December 2019. Collection method: clinical testing. Allele origin: germline.
Comment: This variant was observed in the ICSL laboratory as part of a predisposition screen in an ostensibly healthy population. It had not been previously curated by ICSL or reported in the Human Gene Mutation Database (HGMD: prior to June 1st, 2018), and was therefore a candidate for classification through an automated scoring system. Utilizing variant allele frequency, disease prevalence and penetrance estimates, and inheritance mode, an automated score was calculated to assess if this variant is too frequent to cause the disease. Based on the score and internal cut-off values, a variant classified as benign is not then subjected to further curation. The score for this variant resulted in a classification of benign for this disease.

Illumina Laboratory Services, Illumina
Classification: Benign for Autosomal recessive nonsyndromic hearing loss 12. Last evaluated: 2018-01-13. Review status: criteria provided, single submitter. Criteria: ICSL Variant Classification Criteria 13 December 2019. Collection method: clinical testing. Allele origin: germline.
Comment: the same text as in the submission from Illumina Laboratory Services, Illumina above.

Breakthrough Genomics
Classification: Likely benign. Review status: criteria provided, single submitter. Criteria: ACMG Guidelines, 2015. Collection method: not provided. Allele origin: germline. Inheritance: Autosomal recessive inheritance. Affected: yes.